The following is an entry in ClinVar:

NM_144997.7(FLCN):c.586A>G (p.Ile196Val)

Gene: FLCN (folliculin; minus strand). Cytogenetic location: 17p11.2.
Variant type: single nucleotide variant.
Coding change: c.586A>G on transcript NM_144997.7 (MANE Select); coding-DNA position 586, A replaced by G.
Protein change: p.Ile196Val; replaces isoleucine 196 with valine.
Molecular consequence: missense variant.
Genome position (GRCh38, 1-based): chr17:17,223,954, T>C on the plus strand (A>G on the coding strand, the complement: FLCN is on the minus strand). VCF-style: chr17-17223954-T-C. GRCh37 (hg19) VCF-style: chr17-17127268-T-C.
Other names: c.640A>G, p.Ile214Val (NM_001353229.2); c.586A>G, p.Ile196Val (NM_001353230.2, NM_001353231.2, NM_144606.7); c.586A>G (LRG_325t1); short protein forms I196V, I214V.
Identifiers: ClinVar variation 41859 (VCV000041859.19), dbSNP rs201078144, ClinGen allele CA215936.

ClinVar aggregate classification (germline): Conflicting classifications of pathogenicity. Review status: criteria provided, conflicting classifications (1 of 4 stars). 6 submissions from 6 submitters: Uncertain significance (2); Likely benign (3). 1 of the submissions does not count toward it. Last evaluated 2026-06-17.

Conditions:
FLCN-related disorder. Also called: FLCN-related condition.
Hereditary cancer-predisposing syndrome. Also called: Hereditary Cancer Syndrome; Neoplastic Syndromes, Hereditary; Hereditary neoplastic syndrome; Tumor predisposition. Identifiers: Orphanet 140162, MedGen C0027672, MeSH D009386, MONDO:0015356.
Birt-Hogg-Dube syndrome. Also called: Birt Hogg Dubé syndrome. Identifiers: Orphanet 122, MedGen C0346010, MONDO:0800444.

Allele frequency attached by ClinVar (database versions not stated): ExAC 0.00001; gnomAD exomes 0.00001; gnomAD 0.00003; TOPMed 0.00003; ESP Exome Variant Server 0.00008.
gnomAD v4.1: 117 of 1,613,330 alleles (0.0073%); highest among the groups gnomAD compares: Non-Finnish European, 0.0092%; no homozygotes.

Submissions (6):

PreventionGenetics, part of Exact Sciences
Classification: Likely benign for FLCN-related condition. Last evaluated: 2026-06-17. Review status: criteria provided, single submitter. Criteria: ACMG Guidelines, 2015. Collection method: clinical testing. Allele origin: germline.
Comment: This variant is classified as likely benign based on ACMG/AMP sequence variant interpretation guidelines (Richards et al. 2015 PMID: 25741868, with internal and published modifications).

Labcorp Genetics (formerly Invitae), Labcorp
Classification: Likely benign for Birt-Hogg-Dube syndrome. Last evaluated: 2026-01-14. Review status: criteria provided, single submitter. Criteria: Invitae Variant Classification Sherloc (09022015). Collection method: clinical testing. Allele origin: germline.

GeneDx
Classification: Uncertain significance. Last evaluated: 2023-12-14. Review status: criteria provided, single submitter. Criteria: GeneDx Variant Classification Process June 2021. Collection method: clinical testing. Allele origin: germline. Affected: yes.
Comment: Not observed at significant frequency in large population cohorts (gnomAD); In silico analysis supports that this missense variant does not alter protein structure/function; Observed in individuals with atherosclerosis, with no specific information about cancer history (PMID: 22703879); This variant is associated with the following publications: (PMID: 24755471, 29641532, 22703879)

Baylor Genetics
Classification: Uncertain significance for Birt-Hogg-Dube syndrome 1. Last evaluated: 2023-10-16. Review status: criteria provided, single submitter. Criteria: ACMG Guidelines, 2015. Collection method: clinical testing. Allele origin: unknown.

Ambry Genetics
Classification: Likely benign for Hereditary cancer-predisposing syndrome. Last evaluated: 2020-09-03. Review status: criteria provided, single submitter. Criteria: Ambry Variant Classification Scheme 2023. Collection method: clinical testing. Allele origin: germline.

Biesecker Lab/Clinical Genomics Section, National Institutes of Health
Classification: Uncertain significance. Last evaluated: 2012-07-13. Review status: no assertion criteria provided. Collection method: research. Allele origin: germline. Affected: no. Observed: 1 variant allele. Study: ClinSeq. Not counted in ClinVar's aggregate classification.
ClinVar note: Converted during submission from variant of unknown significance to Uncertain significance.

Literature cited by the submitters: PubMed 29641532 (cited by Ambry Genetics).